The following is an entry in ClinVar:

NM_004656.4(BAP1):c.2091C>T (p.Ser697=)

Gene: BAP1 (BRCA1 associated deubiquitinase 1; minus strand). Cytogenetic location: 3p21.1.
Variant type: single nucleotide variant.
Coding change: c.2091C>T on transcript NM_004656.4 (MANE Select); coding-DNA position 2091, C replaced by T.
Protein change: p.Ser697=; no amino-acid change (serine 697 retained).
Molecular consequence: synonymous variant.
Genome position (GRCh38, 1-based): chr3:52,402,387, G>A on the plus strand (C>T on the coding strand, the complement: BAP1 is on the minus strand). VCF-style: chr3-52402387-G-A. GRCh37 (hg19) VCF-style: chr3-52436403-G-A.
Other names: c.2091C>T (LRG_529t1).
Identifiers: ClinVar variation 240056 (VCV000240056.28), dbSNP rs754513396, ClinGen allele CA2436592.

ClinVar aggregate classification (germline): Benign/Likely benign. Review status: criteria provided, multiple submitters, no conflicts (2 of 4 stars). 11 submissions from 11 submitters: Benign (2); Likely benign (9). Last evaluated 2026-01-31.

Conditions:
BAP1-related disorder. Also called: BAP1-related condition.
Hereditary cancer-predisposing syndrome. Also called: Neoplastic Syndromes, Hereditary; Hereditary neoplastic syndrome; Hereditary Cancer Syndrome; Tumor predisposition. Identifiers: Orphanet 140162, MedGen C0027672, MeSH D009386, MONDO:0015356.
BAP1-related tumor predisposition syndrome (TPDS1). Also called: COMMON Syndrome; BAP1 tumor predisposition syndrome; TUMOR PREDISPOSITION SYNDROME 1; Tumor susceptibility linked to germline BAP1 mutations. Identifiers: Orphanet 289539, MedGen C3280492, MONDO:0013692, OMIM 614327.

Allele frequency attached by ClinVar (database versions not stated): gnomAD exomes 0.00005 and 0.00008; gnomAD 0.00012 and 0.00014; ExAC 0.00013; TOPMed 0.00017.
gnomAD v4.1: 94 of 1,570,312 alleles (0.006%); highest among the groups gnomAD compares: Admixed American, 0.036%; no homozygotes.

Submissions (11):

Labcorp Genetics (formerly Invitae), Labcorp
Classification: Likely benign for BAP1-related tumor predisposition syndrome. Last evaluated: 2026-01-31. Review status: criteria provided, single submitter. Criteria: Invitae Variant Classification Sherloc (09022015). Collection method: clinical testing. Allele origin: germline.

PreventionGenetics, part of Exact Sciences
Classification: Likely benign for BAP1-related condition. Last evaluated: 2025-05-12. Review status: criteria provided, single submitter. Criteria: ACMG Guidelines, 2015. Collection method: clinical testing. Allele origin: germline.
Comment: This variant is classified as likely benign based on ACMG/AMP sequence variant interpretation guidelines (Richards et al. 2015 PMID: 25741868, with internal and published modifications).

Molecular Diagnostics Laboratory, Catalan Institute of Oncology
Classification: Likely benign for Hereditary cancer-predisposing syndrome. Last evaluated: 2025-04-13. Review status: criteria provided, single submitter. Criteria: ACMG Guidelines, 2015. Collection method: clinical testing. Allele origin: germline.
Comment: BP4, BP7 c.2091C>T, located in exon 17 of the BAP1 gene, is predicted to result in no splicing alteration (according to SpliceAI) and no amino acid change, p.(Ser697=) (BP4, BP7). This variant is found in 15/204312 alleles at a frequency of 0.0073% in the gnomAD v2.1.1 database, non-cancer dataset. To our knowledge, neither relevant clinical data nor well-stablished functional studies have been reported for this variant. It has been reported in the ClinVar database (2x benign, 6x likely benign). Based on the currently available information, c.2091C>T is classified as a likely benign variant according to ACMG guidelines.

Center for Genomic Medicine, Rigshospitalet, Copenhagen University Hospital
Classification: Likely benign. Last evaluated: 2025-03-04. Review status: criteria provided, single submitter. Criteria: ACMG Guidelines, 2015. Collection method: clinical testing. Allele origin: germline.

Blueprint Genetics
Classification: Likely benign. Last evaluated: 2024-09-09. Review status: criteria provided, single submitter. Criteria: ACMG Guidelines, 2015. Collection method: clinical testing. Allele origin: germline.

Myriad Genetics, Inc.
Classification: Benign for BAP1-related tumor predisposition syndrome. Last evaluated: 2024-07-18. Review status: criteria provided, single submitter. Criteria: Myriad Autosomal Dominant, Autosomal Recessive and X-Linked Classification Criteria (2023). Collection method: clinical testing. Allele origin: unknown.
Comment: This variant is considered benign. This variant is a silent/synonymous amino acid change and it is not expected to impact splicing.

Quest Diagnostics Nichols Institute San Juan Capistrano
Classification: Likely benign. Last evaluated: 2023-02-09. Review status: criteria provided, single submitter. Criteria: Quest Diagnostics criteria. Collection method: clinical testing. Allele origin: unknown.

Sema4
Classification: Benign for Hereditary cancer-predisposing syndrome. Last evaluated: 2021-08-09. Review status: criteria provided, single submitter. Criteria: Sema4 Curation Guidelines. Collection method: curation. Allele origin: germline.

GeneDx
Classification: Likely benign. Last evaluated: 2020-01-18. Review status: criteria provided, single submitter. Criteria: GeneDx Variant Classification Process June 2021. Collection method: clinical testing. Allele origin: germline. Affected: yes.

Color Diagnostics, LLC DBA Color Health
Classification: Likely benign for Hereditary cancer-predisposing syndrome. Last evaluated: 2016-03-18. Review status: criteria provided, single submitter. Criteria: ACMG Guidelines, 2015. Collection method: clinical testing. Allele origin: germline.

Ambry Genetics
Classification: Likely benign for Hereditary cancer-predisposing syndrome. Last evaluated: 2015-08-20. Review status: criteria provided, single submitter. Criteria: Ambry Variant Classification Scheme 2023. Collection method: clinical testing. Allele origin: germline.